The following is an entry in ClinVar:

ClinVar aggregate classification (germline): Uncertain significance (1 of 4 stars; one submission).

Conditions:
Platelet-type bleeding disorder 15 (BDPLT15). Also called: MACROTHROMBOCYTOPENIA, AUTOSOMAL DOMINANT, ACTN1-RELATED. Identifiers: Orphanet 140957, MedGen C3554663, MONDO:0014078, OMIM 615193.

Submission:

ISTH-SSC Genomics in Thrombosis and Hemostasis, KU Leuven, Center for Molecular and Vascular Biology
Classification: Uncertain significance for Platelet-type bleeding disorder 15. Review status: criteria provided, single submitter. Criteria: ACMG Guidelines, 2015. Collection method: clinical testing. Allele origin: germline. Affected: yes. Observed: 1 heterozygote.
Comment: Submitted to GoldVariant by Kathleen Freson, Center for Molecular and Vascular Biology, Leuven, Belgium

NM_001130004.2(ACTN1):c.2255G>C (p.Arg752Pro)

Gene: ACTN1 (actinin alpha 1; minus strand). Cytogenetic location: 14q24.1.
Variant type: single nucleotide variant.
Coding change: c.2255G>C on transcript NM_001130004.2 (MANE Select); coding-DNA position 2255, G replaced by C.
Protein change: p.Arg752Pro; replaces arginine 752 with proline.
Molecular consequence: missense variant.
Genome position (GRCh38, 1-based): chr14:68,879,987, C>G on the plus strand (G>C on the coding strand, the complement: ACTN1 is on the minus strand). VCF-style: chr14-68879987-C-G. GRCh37 (hg19) VCF-style: chr14-69346704-C-G.
Other names: c.2255G>C, p.Arg752Pro (NM_001102.4, NM_001130005.2); short protein forms R752P.
Identifiers: ClinVar variation 1703857 (VCV001703857.1), dbSNP rs387907347, ClinGen allele CA390181573.